The following is an entry in ClinVar:

ClinVar aggregate classification (germline): Benign. Review status: criteria provided, multiple submitters, no conflicts (2 of 4 stars). 3 submissions from 3 submitters: Benign (2). 1 of the submissions does not count toward it. Last evaluated 2026-01-26.

Conditions:
ROBO1-related disorder. Also called: ROBO1-related condition.

Allele frequency attached by ClinVar (database versions not stated): gnomAD exomes 0.01265 and 0.01423; ExAC 0.01300; 1000 Genomes Project 0.01518; gnomAD 0.01541 and 0.01565; ESP Exome Variant Server 0.01568; TOPMed 0.01628; 1000 Genomes Project 30x 0.01640.
gnomAD v4.1: 23,236 of 1,613,932 alleles (1.4%); highest among the groups gnomAD compares: East Asian, 3.3%; 234 homozygotes.

Submissions (3):

Labcorp Genetics (formerly Invitae), Labcorp
Classification: Benign. Last evaluated: 2026-01-26. Review status: criteria provided, single submitter. Criteria: Invitae Variant Classification Sherloc (09022015). Collection method: clinical testing. Allele origin: germline.

Breakthrough Genomics
Classification: Benign. Review status: criteria provided, single submitter. Criteria: ACMG Guidelines, 2015. Collection method: not provided. Allele origin: germline. Inheritance: Unknown mechanism. Affected: yes.

PreventionGenetics, part of Exact Sciences
Classification: Benign for ROBO1-related condition. Last evaluated: 2019-06-12. Review status: no assertion criteria provided. Collection method: clinical testing. Allele origin: germline. Not counted in ClinVar's aggregate classification.
Comment: This variant is classified as benign based on ACMG/AMP sequence variant interpretation guidelines (Richards et al. 2015 PMID: 25741868, with internal and published modifications).

NM_002941.4(ROBO1):c.4704A>C (p.Ala1568=)

Gene: ROBO1 (roundabout guidance receptor 1; minus strand). Cytogenetic location: 3p12.3.
Variant type: single nucleotide variant.
Coding change: c.4704A>C on transcript NM_002941.4 (MANE Select); coding-DNA position 4704, A replaced by C.
Protein change: p.Ala1568=; no amino-acid change (alanine 1568 retained).
Molecular consequence: synonymous variant.
Genome position (GRCh38, 1-based): chr3:78,606,773, T>G on the plus strand (A>C on the coding strand, the complement: ROBO1 is on the minus strand). VCF-style: chr3-78606773-T-G. GRCh37 (hg19) VCF-style: chr3-78655923-T-G.
Other names: c.4404A>C, p.Ala1468= (NM_001145845.2); c.4569A>C, p.Ala1523= (NM_133631.4); c.4704A>C (NM_002941.3).
Identifiers: ClinVar variation 1529664 (VCV001529664.11), dbSNP rs35148826, ClinGen allele CA2497994.